The following is an entry in ClinVar:

NM_001267550.2(TTN):c.70270A>T (p.Lys23424Ter)

Genes: TTN (titin; minus strand), TTN-AS1 (TTN antisense RNA 1; plus strand), LOC126806422 (BRD4-independent group 4 enhancer GRCh37_chr2:179440205-179441404; plus strand). Cytogenetic location: 2q31.2.
Variant type: single nucleotide variant.
Coding change: c.70270A>T on transcript NM_001267550.2 (MANE Select); coding-DNA position 70270, A replaced by T.
Protein change: p.Lys23424Ter; replaces lysine 23424 with a stop codon.
Molecular consequence: nonsense.
Genome position (GRCh38, 1-based): chr2:178,575,862, T>A on the plus strand (A>T on the coding strand, the complement: TTN is on the minus strand). VCF-style: chr2-178575862-T-A. GRCh37 (hg19) VCF-style: chr2-179440589-T-A.
Other names: c.65347A>T, p.Lys21783Ter (NM_001256850.1); c.43075A>T, p.Lys14359Ter (NM_003319.4); c.62566A>T, p.Lys20856Ter (NM_133378.4); c.43450A>T, p.Lys14484Ter (NM_133432.3); c.43651A>T, p.Lys14551Ter (NM_133437.4); short protein forms K14551*, K14359*, K21783*, K20856*, K23424*, K14484*.
Identifiers: ClinVar variation 2946656 (VCV002946656.3), dbSNP rs2468700357, ClinGen allele CA349663680.
Genomic context (GRCh38, chr2:178,575,862, plus strand): 5'-GCCGCAGGTTGAGGACTGGGCCTGGCGTGTCCAAGACTCTGACGTTCACAAAGCCACTTT[T>A]CTTCCCAGCCGGGTTTTCAATGGTCATGACAAATTTACCGGTATCATATCTGTTACATTC-3'

ClinVar aggregate classification (germline): Likely pathogenic (1 of 4 stars; one submission).

Conditions:
Dilated cardiomyopathy 1G (CMD1G). Identifiers: Orphanet 154, MedGen C1858763, MONDO:0011400, OMIM 604145.
Autosomal recessive limb-girdle muscular dystrophy type 2J (LGMDR10). Also called: Limb-girdle muscular dystrophy, type 2J; MUSCULAR DYSTROPHY, LIMB-GIRDLE, AUTOSOMAL RECESSIVE 10. Identifiers: Orphanet 140922, MedGen C1837342, MONDO:0012127, OMIM 608807.

Submission:

Labcorp Genetics (formerly Invitae), Labcorp
Classification: Likely pathogenic for Dilated cardiomyopathy 1G; Autosomal recessive limb-girdle muscular dystrophy type 2J. Last evaluated: 2023-11-22. Review status: criteria provided, single submitter. Criteria: Invitae Variant Classification Sherloc (09022015). Collection method: clinical testing. Allele origin: germline.
Comment: This sequence change creates a premature translational stop signal (p.Lys23424*) in the TTN gene. While this is not anticipated to result in nonsense mediated decay, it is expected to create a truncated TTN protein. This variant is not present in population databases (gnomAD no frequency). This variant has not been reported in the literature in individuals affected with TTN-related conditions. This variant is located in the A band of TTN (PMID: 25589632). Truncating variants in this region are significantly overrepresented in patients affected with dilated cardiomyopathy (PMID: 25589632). Truncating variants in this region have also been reported in individuals affected with autosomal recessive centronuclear myopathy (PMID: 23975875). In summary, the currently available evidence indicates that the variant is pathogenic, but additional data are needed to prove that conclusively. Therefore, this variant has been classified as Likely Pathogenic.

Literature cited by the submitters: PubMed 25589632; PubMed 23975875.